The following is an entry in ClinVar:

NM_182961.4(SYNE1):c.17202G>A (p.Gln5734=)

Genes: SYNE1 (spectrin repeat containing nuclear envelope protein 1; minus strand), LOC126859837 (BRD4-independent group 4 enhancer GRCh37_chr6:152630775-152631974; plus strand). Cytogenetic location: 6q25.2.
Variant type: single nucleotide variant.
Coding change: c.17202G>A on transcript NM_182961.4 (MANE Select); coding-DNA position 17202, G replaced by A.
Protein change: p.Gln5734=; no amino-acid change (glutamine 5734 retained).
Molecular consequence: synonymous variant.
Genome position (GRCh38, 1-based): chr6:152,309,835, C>T on the plus strand (G>A on the coding strand, the complement: SYNE1 is on the minus strand). VCF-style: chr6-152309835-C-T. GRCh37 (hg19) VCF-style: chr6-152630970-C-T.
Other names: c.16989G>A, p.Gln5663= (NM_033071.5).
Identifiers: ClinVar variation 1807218 (VCV001807218.6), dbSNP rs2552094472, ClinGen allele CA452753322.

ClinVar aggregate classification (germline): Uncertain significance. Review status: criteria provided, multiple submitters, no conflicts (2 of 4 stars). 2 submissions from 2 submitters: Uncertain significance (2). Last evaluated 2022-08-19.

Conditions:
Emery-Dreifuss muscular dystrophy 4, autosomal dominant (EDMD4). Also called: EMERY-DREIFUSS MUSCULAR DYSTROPHY 4 WITH VARIABLE FEATURES. Identifiers: Orphanet 261, MedGen C2751807, MONDO:0013071, OMIM 612998.
Autosomal recessive ataxia, Beauce type. Also called: SYNE1-Related Autosomal Recessive Cerebellar Ataxia; SYNE1 Deficiency; Spinocerebellar ataxia, autosomal recessive 8; ATAXIA, RECESSIVE, OF BEAUCE. Identifiers: Orphanet 88644, MedGen C1853116, MONDO:0012549, OMIM 610743.

Submissions (2):

Athena Diagnostics
Classification: Uncertain significance. Last evaluated: 2022-08-19. Review status: criteria provided, single submitter. Criteria: Athena Diagnostics Criteria. Collection method: clinical testing. Allele origin: unknown.

Labcorp Genetics (formerly Invitae), Labcorp
Classification: Uncertain significance for Emery-Dreifuss muscular dystrophy 4, autosomal dominant; Autosomal recessive ataxia, Beauce type. Last evaluated: 2022-04-28. Review status: criteria provided, single submitter. Criteria: Invitae Variant Classification Sherloc (09022015). Collection method: clinical testing. Allele origin: germline.
Comment: In summary, the available evidence is currently insufficient to determine the role of this variant in disease. Therefore, it has been classified as a Variant of Uncertain Significance. Algorithms developed to predict the effect of sequence changes on RNA splicing suggest that this variant may disrupt the consensus splice site. This variant has not been reported in the literature in individuals affected with SYNE1-related conditions. This variant is not present in population databases (gnomAD no frequency). This sequence change affects codon 5663 of the SYNE1 mRNA. It is a 'silent' change, meaning that it does not change the encoded amino acid sequence of the SYNE1 protein.